The following is an entry in ClinVar:

NM_001368894.2(PAX6):c.141+2T>G

Gene: PAX6 (paired box 6; minus strand). Cytogenetic location: 11p13.
Variant type: single nucleotide variant.
Coding change: c.141+2T>G on transcript NM_001368894.2 (MANE Select); the canonical splice donor site of the intron after coding-DNA position 141, T replaced by G.
Molecular consequence: splice donor variant. On other transcripts: missense variant (3), intron variant (2).
Genome position (GRCh38, 1-based): chr11:31,802,702, A>C on the plus strand (T>G on the coding strand, the complement: PAX6 is on the minus strand). VCF-style: chr11-31802702-A-C. GRCh37 (hg19) VCF-style: chr11-31824250-A-C.
Other names: c.143T>G, p.Val48Gly (NM_001368918.2, NM_001368919.2, NM_001368920.2); c.141+2T>G (NM_001127612.3, NM_001368921.2, NM_001368923.2 and 27 more transcripts); c.384+2T>G (NM_001368910.2); c.-267-926T>G (NM_001368909.2, NM_001368904.2); c.144+2T>G (NM_001368911.2); c.-641+2T>G (NM_001368905.2, NM_001310160.2); c.-268+2T>G (NM_001368906.2, NM_001368901.2, NM_001368899.2 and 1 more transcripts); c.-310+2T>G (NM_001368908.2, NM_001310161.3, NM_001368900.2 and 2 more transcripts); and 1 more; short protein forms V48G.
Identifiers: ClinVar variation 372440 (VCV000372440.4), dbSNP rs1057517782, ClinGen allele CA16042844.

ClinVar aggregate classification (germline): Pathogenic (1 of 4 stars; one submission).

Submission:

GeneDx
Classification: Pathogenic. Last evaluated: 2021-07-28. Review status: criteria provided, single submitter. Criteria: GeneDx Variant Classification Process June 2021. Collection method: clinical testing. Allele origin: germline. Affected: yes.
Comment: Canonical splice site variant predicted to result in a null allele in a gene for which loss-of-function is a known mechanism of disease; Not observed at significant frequency in large population cohorts (Lek et al., 2016); This variant is associated with the following publications: (PMID: 27081561, 31589614)